The following is an entry in ClinVar:

ClinVar aggregate classification (germline): Uncertain significance (1 of 4 stars; one submission).

Conditions:
SCAPER-related disorder. Also called: SCAPER-related condition.

gnomAD v4.1: 1 of 1,613,990 alleles (0.000062%); highest among the groups gnomAD compares: Non-Finnish European, 0.000085%; no homozygotes.

Submission:

PreventionGenetics, part of Exact Sciences
Classification: Uncertain significance for SCAPER-related condition. Last evaluated: 2026-07-17. Review status: criteria provided, single submitter. Criteria: ACMG Guidelines, 2015. Collection method: clinical testing. Allele origin: germline.
Comment: The SCAPER c.3187A>G variant is predicted to result in the amino acid substitution p.Ser1063Gly. To our knowledge, this variant has not been reported in the literature or in a large population database (gnomAD), indicating this variant is rare. At this time, the clinical significance of this variant is uncertain due to the absence of conclusive functional and genetic evidence.

NM_020843.4(SCAPER):c.3169A>G (p.Ser1057Gly)

Genes: SCAPER (S-phase cyclin A associated protein in the ER; minus strand), LOC126862183 (BRD4-independent group 4 enhancer GRCh37_chr15:76726060-76727259; plus strand). Cytogenetic location: 15q24.3.
Variant type: single nucleotide variant.
Coding change: c.3169A>G on transcript NM_020843.4 (MANE Select); coding-DNA position 3169, A replaced by G.
Protein change: p.Ser1057Gly; replaces serine 1057 with glycine.
Molecular consequence: missense variant. On other transcripts: non-coding transcript variant (1).
Genome position (GRCh38, 1-based): chr15:76,434,220, T>C on the plus strand (A>G on the coding strand, the complement: SCAPER is on the minus strand). VCF-style: chr15-76434220-T-C. GRCh37 (hg19) VCF-style: chr15-76726561-T-C.
Other names: c.2431A>G, p.Ser811Gly (NM_001145923.2); c.3187A>G, p.Ser1063Gly (NM_001353009.2); c.2767A>G, p.Ser923Gly (NM_001353010.2, NM_001353012.2); c.2785A>G, p.Ser929Gly (NM_001353011.2); short protein forms S1057G, S923G, S929G, S1063G, S811G.
Identifiers: ClinVar variation 4994911 (VCV004994911.1).